The following is an entry in ClinVar:

ClinVar aggregate classification (germline): Uncertain significance (1 of 4 stars; one submission).

Allele frequency attached by ClinVar (database versions not stated): TOPMed 0.00001; gnomAD 0.00001.

Submission:

Labcorp Genetics (formerly Invitae), Labcorp
Classification: Uncertain significance. Last evaluated: 2022-07-21. Review status: criteria provided, single submitter. Criteria: Invitae Variant Classification Sherloc (09022015). Collection method: clinical testing. Allele origin: germline.
Comment: This sequence change replaces arginine, which is basic and polar, with cysteine, which is neutral and slightly polar, at codon 106 of the CTF1 protein (p.Arg106Cys). The frequency data for this variant in the population databases is considered unreliable, as metrics indicate insufficient coverage at this position in the gnomAD database. This variant has not been reported in the literature in individuals affected with CTF1-related conditions. Algorithms developed to predict the effect of missense changes on protein structure and function (SIFT, PolyPhen-2, Align-GVGD) all suggest that this variant is likely to be disruptive. In summary, the available evidence is currently insufficient to determine the role of this variant in disease. Therefore, it has been classified as a Variant of Uncertain Significance.

NM_001330.5(CTF1):c.316C>T (p.Arg106Cys)

Genes: CTF1 (cardiotrophin 1; plus strand), LOC130058878 (ATAC-STARR-seq lymphoblastoid silent region 7400; plus strand). Cytogenetic location: 16p11.2.
Variant type: single nucleotide variant.
Coding change: c.316C>T on transcript NM_001330.5 (MANE Select); coding-DNA position 316, C replaced by T.
Protein change: p.Arg106Cys; replaces arginine 106 with cysteine.
Molecular consequence: missense variant. On other transcripts: non-coding transcript variant (1).
Genome position (GRCh38, 1-based): chr16:30,902,249, C>T. VCF-style: chr16-30902249-C-T. GRCh37 (hg19) VCF-style: chr16-30913570-C-T.
Other names: c.313C>T, p.Arg105Cys (NM_001142544.3); short protein forms R105C, R106C.
Identifiers: ClinVar variation 1983981 (VCV001983981.4), dbSNP rs1193191641, ClinGen allele CA395618812.